The following is an entry in ClinVar:

ClinVar aggregate classification (germline): Pathogenic. Review status: criteria provided, multiple submitters, no conflicts (2 of 4 stars). 2 submissions from 2 submitters: Pathogenic (2). Last evaluated 2022-05-04.

Conditions:
Surfactant metabolism dysfunction, pulmonary, 4 (SMDP4). Also called: PULMONARY ALVEOLAR PROTEINOSIS, CONGENITAL, 4; PAP DUE TO CSF2RA DEFICIENCY; CSF2RA DEFICIENCY. Identifiers: Orphanet 264675, MedGen C2677877, MONDO:0010424, OMIM 300770.

Allele frequency attached by ClinVar (database versions not stated): gnomAD 0.00001; TOPMed 0.00001.
gnomAD v4.1: 2 of 1,613,670 alleles (0.00012%); highest among the groups gnomAD compares: Admixed American, 0.0033%; no homozygotes.

Submissions (2):

Mendelics
Classification: Pathogenic for Surfactant metabolism dysfunction, pulmonary, 4. Last evaluated: 2022-05-04. Review status: criteria provided, single submitter. Criteria: Mendelics Assertion Criteria 2019. Collection method: clinical testing. Allele origin: germline.

Labcorp Genetics (formerly Invitae), Labcorp
Classification: Pathogenic for Surfactant metabolism dysfunction, pulmonary, 4. Last evaluated: 2019-05-15. Review status: criteria provided, single submitter. Criteria: Invitae Variant Classification Sherloc (09022015). Collection method: clinical testing. Allele origin: germline.
Comment: This sequence change creates a premature translational stop signal (p.Gln204*) in the CSF2RA gene. It is expected to result in an absent or disrupted protein product. This variant is not present in population databases (ExAC no frequency). This variant has not been reported in the literature in individuals with CSF2RA-related conditions. Loss-of-function variants in CSF2RA are known to be pathogenic (PMID: 20622029, 25425184). For these reasons, this variant has been classified as Pathogenic.

Literature cited by the submitters: PubMed 20622029 (cited by Labcorp Genetics (formerly Invitae), Labcorp); PubMed 25425184 (cited by Labcorp Genetics (formerly Invitae), Labcorp).

NM_172245.4(CSF2RA):c.610C>T (p.Gln204Ter)

Gene: CSF2RA (colony stimulating factor 2 receptor subunit alpha; plus strand). Cytogenetic location: Xp22.33.
Variant type: single nucleotide variant.
Coding change: c.610C>T on transcript NM_172245.4 (MANE Select); coding-DNA position 610, C replaced by T.
Protein change: p.Gln204Ter; replaces glutamine 204 with a stop codon.
Molecular consequence: nonsense. On other transcripts: non-coding transcript variant (1).
Genome position (GRCh38, 1-based): chrX:1,290,473, C>T. VCF-style: chrX-1290473-C-T. GRCh37 (hg19) VCF-style: chrX-1409366-C-T.
Other names: c.610C>T, p.Gln204Ter (NM_001161529.2, NM_001161530.2, NM_001161531.2 and 20 more transcripts); c.211C>T, p.Gln71Ter (NM_001161532.2); short protein forms Q204*, Q71*.
Identifiers: ClinVar variation 847249 (VCV000847249.4), dbSNP rs2091299213, ClinGen allele CA412235761.